The following is an entry in ClinVar:

ClinVar aggregate classification (germline): Pathogenic (1 of 4 stars; one submission).

Conditions:
Telangiectasia, hereditary hemorrhagic, type 2 (HHT2). Also called: ACVRL1-Related Hereditary Hemorrhagic Telangiectasia; Telangiectasia, hereditary hemorrhagic, type II. Identifiers: Orphanet 774, MedGen C1838163, MONDO:0010880, OMIM 600376. Disease mechanism: loss of function.

Submission:

Labcorp Genetics (formerly Invitae), Labcorp
Classification: Pathogenic for Telangiectasia, hereditary hemorrhagic, type 2. Last evaluated: 2018-04-08. Review status: criteria provided, single submitter. Criteria: Invitae Variant Classification Sherloc (09022015). Collection method: clinical testing. Allele origin: germline.
Comment: This variant is an out-of-frame deletion of the genomic region encompassing the last 34 nucleotides of exon 4 and¬† exons 5-9 of the ACVRL1 gene (c.492-c.1378-239). This is expected to create a premature translational stop signal and result in an absent or disrupted protein product. This variant has not been reported in the literature in individuals with ACVRL1-related disease. Loss-of-function variants in ACVRL1 are known to be pathogenic (PMID: 15879500). For these reasons, this variant has been classified as Pathogenic.

Literature cited by the submitters: PubMed 15879500.

NC_000012.12:g.(?_51913954)_(51919135_?)del

Gene: ACVRL1 (activin A receptor like type 1; plus strand). Cytogenetic location: 12q13.13.
Variant type: Deletion.
Identifiers: ClinVar variation 533359 (VCV000533359.8).